The following is an entry in ClinVar:

ClinVar aggregate classification (germline): Conflicting classifications of pathogenicity. Review status: criteria provided, conflicting classifications (1 of 4 stars). 12 submissions from 12 submitters: Uncertain significance (7); Likely benign (4). 1 of the submissions does not count toward it. Last evaluated 2026-09-21.

Conditions:
TTN-related disorder. Also called: TTN-related disorders; TTN-related condition; TTN-related disease.
Cardiovascular phenotype. Identifiers: MedGen CN230736.
Autosomal recessive limb-girdle muscular dystrophy type 2J (LGMDR10). Also called: Limb-girdle muscular dystrophy, type 2J; MUSCULAR DYSTROPHY, LIMB-GIRDLE, AUTOSOMAL RECESSIVE 10. Identifiers: Orphanet 140922, MedGen C1837342, MONDO:0012127, OMIM 608807.
Dilated cardiomyopathy 1G (CMD1G). Identifiers: Orphanet 154, MedGen C1858763, MONDO:0011400, OMIM 604145.
Myopathy, myofibrillar, 9, with early respiratory failure (MFM9). Also called: Hereditary myopathy with early respiratory failure; EDSTROM MYOPATHY; MYOPATHY, PROXIMAL, WITH EARLY RESPIRATORY MUSCLE INVOLVEMENT; Myopathy, distal, with early respiratory failure, autosomal dominant. Identifiers: Orphanet 178464, Orphanet 34521, MedGen C1863599, MONDO:0011362, OMIM 603689.
Tibial muscular dystrophy (TMD). Also called: Tibial muscular dystrophy, tardive; UDD MYOPATHY; Udd Distal Myopathy – Tibial Muscular Dystrophy. Identifiers: Orphanet 609, MedGen C1838244, MONDO:0010870, OMIM 600334.
Hypertrophic cardiomyopathy 9. Also called: Familial hypertrophic cardiomyopathy 9. Identifiers: MedGen C1861065, MONDO:0013412, OMIM 613765.
Early-onset myopathy with fatal cardiomyopathy (CMYO5). Also called: Salih Myopathy; CONGENITAL MYOPATHY 5 WITH CARDIOMYOPATHY. Identifiers: Orphanet 289377, MedGen C2673677, MONDO:0012714, OMIM 611705. Disease mechanism: loss of function.

Allele frequency attached by ClinVar (database versions not stated): gnomAD 0.00006; TOPMed 0.00011; gnomAD exomes 0.00014 and 0.00035; 1000 Genomes Project 30x 0.00016; ExAC 0.00017; 1000 Genomes Project 0.00020; ESP Exome Variant Server 0.00033.
gnomAD v4.1: 523 of 1,613,886 alleles (0.032%); highest among the groups gnomAD compares: Non-Finnish European, 0.043%; no homozygotes.

Submissions (12):

Molecular Diagnostic Laboratory for Inherited Cardiovascular Disease, Montreal Heart Institute
Classification: Likely benign. Last evaluated: 2026-09-21. Review status: criteria provided, single submitter. Criteria: ACMG Guidelines, 2015. Collection method: clinical testing. Allele origin: germline. Affected: no.

CeGaT Center for Human Genetics Tuebingen
Classification: Uncertain significance. Last evaluated: 2026-08-01. Review status: criteria provided, single submitter. Criteria: CeGaT Center For Human Genetics Tuebingen Variant Classification Criteria Version 2. Collection method: clinical testing. Allele origin: germline. Affected: yes. Observed: 1 variant allele.
Comment: TTN: PM2:Supporting, PS4:Supporting

PreventionGenetics, part of Exact Sciences
Classification: Likely benign for TTN-related condition. Last evaluated: 2025-04-16. Review status: criteria provided, single submitter. Criteria: ACMG Guidelines, 2015. Collection method: clinical testing. Allele origin: germline.
Comment: This variant is classified as likely benign based on ACMG/AMP sequence variant interpretation guidelines (Richards et al. 2015 PMID: 25741868, with internal and published modifications).

Mayo Clinic Laboratories, Mayo Clinic
Classification: Uncertain significance. Last evaluated: 2025-03-11. Review status: criteria provided, single submitter. Criteria: ACMG Guidelines, 2015. Collection method: clinical testing. Allele origin: germline. Observed: 2 variant alleles.
Comment: PP3_moderate

Women's Health and Genetics/Laboratory Corporation of America, LabCorp
Classification: Likely benign. Last evaluated: 2024-11-18. Review status: criteria provided, single submitter. Criteria: LabCorp Variant Classification Summary - May 2015. Collection method: clinical testing. Allele origin: germline.
Comment: Variant summary: TTN NM_133378:c.77411G>A (p.Gly25804Glu), also reported as NM_001267550:c.85115G>A (p.Gly28372Glu), results in a non-conservative amino acid change in the encoded protein sequence. Four of four in-silico tools predict a damaging effect of the variant on protein function. The variant allele was found at a frequency of 0.00032 in 1613886 control chromosomes, predominantly at a frequency of 0.00043 within the Non-Finnish European subpopulation in the gnomAD database. The observed variant frequency within Non-Finnish European control individuals in the gnomAD database is approximately 1.1 fold of the estimated maximal expected allele frequency for a pathogenic variant in TTN causing Dilated Cardiomyopathy phenotype (0.00039). c.77411G>A has been reported with unclear zygosity in the literature in a cohort of individuals affected with Dilated Cardiomyopathy (example, Boen_2024). These report(s) do not provide unequivocal conclusions about association of the variant with Dilated Cardiomyopathy. To our knowledge, no experimental evidence demonstrating an impact on protein function has been reported. The following publications have been ascertained in the context of this evaluation (PMID: 38689299, 30021846). ClinVar contains an entry for this variant (Variation ID: 202929). Based on the evidence outlined above, the variant was classified as likely benign.

Ambry Genetics
Classification: Likely benign for Cardiovascular phenotype. Last evaluated: 2022-10-17. Review status: criteria provided, single submitter. Criteria: Ambry Variant Classification Scheme 2023. Collection method: clinical testing. Allele origin: germline.

Fulgent Genetics
Classification: Uncertain significance for Tibial muscular dystrophy; Myopathy, myofibrillar, 9, with early respiratory failure; Dilated cardiomyopathy 1G; Autosomal recessive limb-girdle muscular dystrophy type 2J; Early-onset myopathy with fatal cardiomyopathy; Hypertrophic cardiomyopathy 9. Last evaluated: 2021-09-22. Review status: criteria provided, single submitter. Criteria: ACMG Guidelines, 2015. Collection method: clinical testing. Allele origin: unknown.

Revvity Omics, Revvity
Classification: Uncertain significance. Last evaluated: 2020-12-22. Review status: criteria provided, single submitter. Criteria: ACMG Guidelines, 2015. Collection method: clinical testing. Allele origin: germline.

Athena Diagnostics
Classification: Uncertain significance. Last evaluated: 2020-03-03. Review status: criteria provided, single submitter. Criteria: Athena Diagnostics Criteria. Collection method: clinical testing. Allele origin: unknown.

Eurofins Ntd Llc (ga)
Classification: Uncertain significance. Last evaluated: 2018-08-16. Review status: criteria provided, single submitter. Criteria: EGL ClinVar v180209 classification definitions. Collection method: clinical testing. Allele origin: germline. Observed: 4 variant alleles, 3 heterozygotes, 1 homozygote.

Labcorp Genetics (formerly Invitae), Labcorp
Classification: Uncertain significance for Dilated cardiomyopathy 1G; Autosomal recessive limb-girdle muscular dystrophy type 2J. Last evaluated: 2017-11-17. Review status: criteria provided, single submitter. Criteria: Invitae Variant Classification Sherloc (09022015). Collection method: clinical testing. Allele origin: germline.

GeneDx
No classification provided. Last evaluated: 2014-01-22. Review status: no classification provided. Criteria: GeneDx Variant Classification (06012015). Collection method: clinical testing. Allele origin: germline. Affected: yes. Not counted in ClinVar's aggregate classification.
Comment: Missense variants in the TTN gene are considered 'unclassified' if they are not previously reported in the literature and do not have >1% frequency in the population to be considered a polymorphism. Research indicates that truncating mutations in the TTN gene are expected to account for approximately 25% of familial and 18% of sporadic idiopathic DCM; however, truncating variants in the TTN gene have been reported in approximately 3% of reported control alleles. There has been little investigation into non-truncating variants. (Herman D et al. Truncations of titin causing dilated cardiomyopathy. N Eng J Med 366:619-628, 2012) The variant is found in CARDIOMYOPATHY panel(s).

Literature cited by the submitters: PubMed 30021846 (cited by Women's Health and Genetics/Laboratory Corporation of America, LabCorp); PubMed 38689299 (cited by Women's Health and Genetics/Laboratory Corporation of America, LabCorp); PubMed 23675308 (cited by Ambry Genetics); PubMed 29420653 (cited by Ambry Genetics); PubMed 33432171 (cited by Ambry Genetics).

NM_001267550.2(TTN):c.85115G>A (p.Gly28372Glu)

Genes: TTN-AS1 (TTN antisense RNA 1; plus strand), TTN (titin; minus strand). Cytogenetic location: 2q31.2.
Variant type: single nucleotide variant.
Coding change: c.85115G>A on transcript NM_001267550.2 (MANE Select); coding-DNA position 85115, G replaced by A.
Protein change: p.Gly28372Glu; replaces glycine 28372 with glutamic acid.
Molecular consequence: missense variant.
Genome position (GRCh38, 1-based): chr2:178,561,017, C>T on the plus strand (G>A on the coding strand, the complement: TTN is on the minus strand). VCF-style: chr2-178561017-C-T. GRCh37 (hg19) VCF-style: chr2-179425744-C-T.
Other names: p.G26731E:GGA>GAA; p.Gly26731Glu; c.80192G>A, p.Gly26731Glu (NM_001256850.1); c.57920G>A, p.Gly19307Glu (NM_003319.4); c.77411G>A, p.Gly25804Glu (NM_133378.4); c.58295G>A, p.Gly19432Glu (NM_133432.3); c.58496G>A, p.Gly19499Glu (NM_133437.4); short protein forms G26731E, G28372E, G25804E, G19499E, G19307E, G19432E.
Identifiers: ClinVar variation 202929 (VCV000202929.24), dbSNP rs190721759, ClinGen allele CA310719.
Genomic context (GRCh38, chr2:178,561,017, plus strand): 5'-GCCCAGGAAATTACTGGCAGAGGTCGCCCTGCAATGTCTGCATTTATCTTAAGGACCTCT[C>T]CAGCTTTGACAACAATAACGTCTCGGAACTTGACATCCATCATAACTCTTGGAGGCTCAA-3'
Protein context (NP_001254479.2, residues 28362-28382): KFRDVIVVKA[Gly28372Glu]EVLKINADIA